The following is an entry in ClinVar:

NM_015294.6(TRIM37):c.1336C>T (p.Arg446Ter)

Gene: TRIM37 (tripartite motif containing 37; minus strand). Cytogenetic location: 17q22.
Variant type: single nucleotide variant.
Coding change: c.1336C>T on transcript NM_015294.6 (MANE Select); coding-DNA position 1336, C replaced by T.
Protein change: p.Arg446Ter; replaces arginine 446 with a stop codon.
Molecular consequence: nonsense. On other transcripts: non-coding transcript variant (2).
Genome position (GRCh38, 1-based): chr17:59,049,372, G>A on the plus strand (C>T on the coding strand, the complement: TRIM37 is on the minus strand). VCF-style: chr17-59049372-G-A. GRCh37 (hg19) VCF-style: chr17-57126733-G-A.
Other names: c.1336C>T, p.Arg446Ter (NM_001005207.5, NM_001320988.3, NM_001320989.3 and 1 more transcripts); c.1234C>T, p.Arg412Ter (NM_001320987.3, NM_001353082.2); c.970C>T, p.Arg324Ter (NM_001320990.3); c.601C>T, p.Arg201Ter (NM_001353083.2); c.874C>T, p.Arg292Ter (NM_001353085.2); c.1285C>T, p.Arg429Ter (NM_001353086.2); short protein forms R201*, R292*, R324*, R412*, R429*, R446*.
Identifiers: ClinVar variation 2905363 (VCV002905363.5), dbSNP rs1303000161, ClinGen allele CA400401171.

ClinVar aggregate classification (germline): Pathogenic. Review status: criteria provided, multiple submitters, no conflicts (2 of 4 stars). 2 submissions from 2 submitters: Pathogenic (2). Last evaluated 2023-09-21.

Conditions:
Mulibrey nanism syndrome. Also called: MUSCLE-LIVER-BRAIN-EYE NANISM; PERHEENTUPA SYNDROME; PERICARDIAL CONSTRICTION AND GROWTH FAILURE. Identifiers: Orphanet 2576, MedGen C0524582, MONDO:0009664, OMIM 253250.

Allele frequency attached by ClinVar (database versions not stated): TOPMed below 0.00001.
gnomAD v4.1: 7 of 1,613,984 alleles (0.00043%); highest among the groups gnomAD compares: Non-Finnish European, 0.00051%; no homozygotes.

Submissions (2):

Labcorp Genetics (formerly Invitae), Labcorp
Classification: Pathogenic. Last evaluated: 2023-09-21. Review status: criteria provided, single submitter. Criteria: Invitae Variant Classification Sherloc (09022015). Collection method: clinical testing. Allele origin: germline.
Comment: This sequence change creates a premature translational stop signal (p.Arg446*) in the TRIM37 gene. It is expected to result in an absent or disrupted protein product. Loss-of-function variants in TRIM37 are known to be pathogenic (PMID: 10888877, 15108285). This variant is present in population databases (no rsID available, gnomAD no frequency). This variant has not been reported in the literature in individuals affected with TRIM37-related conditions. For these reasons, this variant has been classified as Pathogenic.

Juno Genomics, Hangzhou Juno Genomics, Inc
Classification: Pathogenic for Mulibrey nanism syndrome. Review status: criteria provided, single submitter. Criteria: ACMG Guidelines, 2015. Collection method: clinical testing. Allele origin: germline.
Comment: Null variant in a gene where loss of function (LOF) is a known mechanism of disease.;Absent from controls (or at extremely low frequency if recessive) in Genome Aggregation Database.;Patient's phenotype or family history is highly specific for a disease with a single genetic etiology.

Literature cited by the submitters: PubMed 10888877 (cited by Labcorp Genetics (formerly Invitae), Labcorp); PubMed 15108285 (cited by Labcorp Genetics (formerly Invitae), Labcorp).